The following is an entry in ClinVar:

NM_182961.4(SYNE1):c.2374C>T (p.Leu792Phe)

Gene: SYNE1 (spectrin repeat containing nuclear envelope protein 1; minus strand). Cytogenetic location: 6q25.2.
Variant type: single nucleotide variant.
Coding change: c.2374C>T on transcript NM_182961.4 (MANE Select); coding-DNA position 2374, C replaced by T.
Protein change: p.Leu792Phe; replaces leucine 792 with phenylalanine.
Molecular consequence: missense variant.
Genome position (GRCh38, 1-based): chr6:152,461,617, G>A on the plus strand (C>T on the coding strand, the complement: SYNE1 is on the minus strand). VCF-style: chr6-152461617-G-A. GRCh37 (hg19) VCF-style: chr6-152782752-G-A.
Other names: c.2395C>T, p.Leu799Phe (NM_033071.5); short protein forms L799F, L792F.
Identifiers: ClinVar variation 961947 (VCV000961947.9), dbSNP rs1172072268, ClinGen allele CA366120438.

ClinVar aggregate classification (germline): Uncertain significance (1 of 4 stars; one submission).

Conditions:
Autosomal recessive ataxia, Beauce type. Also called: Spinocerebellar ataxia, autosomal recessive 8; ATAXIA, RECESSIVE, OF BEAUCE; SYNE1-Related Autosomal Recessive Cerebellar Ataxia; SYNE1 Deficiency. Identifiers: Orphanet 88644, MedGen C1853116, MONDO:0012549, OMIM 610743.
Emery-Dreifuss muscular dystrophy 4, autosomal dominant (EDMD4). Also called: EMERY-DREIFUSS MUSCULAR DYSTROPHY 4 WITH VARIABLE FEATURES. Identifiers: Orphanet 261, MedGen C2751807, MONDO:0013071, OMIM 612998.

Allele frequency attached by ClinVar (database versions not stated): gnomAD exomes below 0.00001 and 0.00001; TOPMed below 0.00001.
gnomAD v4.1: 4 of 1,613,998 alleles (0.00025%); highest among the groups gnomAD compares: East Asian, 0.0089%; no homozygotes.

Submission:

Labcorp Genetics (formerly Invitae), Labcorp
Classification: Uncertain significance for Emery-Dreifuss muscular dystrophy 4, autosomal dominant; Autosomal recessive ataxia, Beauce type. Last evaluated: 2022-10-24. Review status: criteria provided, single submitter. Criteria: Invitae Variant Classification Sherloc (09022015). Collection method: clinical testing. Allele origin: germline.
Comment: In summary, the available evidence is currently insufficient to determine the role of this variant in disease. Therefore, it has been classified as a Variant of Uncertain Significance. This sequence change replaces leucine, which is neutral and non-polar, with phenylalanine, which is neutral and non-polar, at codon 799 of the SYNE1 protein (p.Leu799Phe). This variant is present in population databases (no rsID available, gnomAD 0.02%). This variant has not been reported in the literature in individuals affected with SYNE1-related conditions. ClinVar contains an entry for this variant (Variation ID: 961947). Algorithms developed to predict the effect of missense changes on protein structure and function are either unavailable or do not agree on the potential impact of this missense change (SIFT: "Deleterious"; PolyPhen-2: "Possibly Damaging"; Align-GVGD: "Class C0").